The following is an entry in ClinVar:

NM_014140.4(SMARCAL1):c.2764A>G (p.Met922Val)

Gene: SMARCAL1 (SNF2 related chromatin remodeling annealing helicase 1; plus strand). Cytogenetic location: 2q35.
Variant type: single nucleotide variant.
Coding change: c.2764A>G on transcript NM_014140.4 (MANE Select); coding-DNA position 2764, A replaced by G.
Protein change: p.Met922Val; replaces methionine 922 with valine.
Molecular consequence: missense variant.
Genome position (GRCh38, 1-based): chr2:216,482,876, A>G. VCF-style: chr2-216482876-A-G. GRCh37 (hg19) VCF-style: chr2-217347599-A-G.
Other names: c.2764A>G, p.Met922Val (NM_001127207.2); short protein forms M922V.
Identifiers: ClinVar variation 1021384 (VCV001021384.8), dbSNP rs767258073, ClinGen allele CA2098299.
Genomic context (GRCh38, chr2:216,482,876, plus strand): 5'-GCAGCAGAGTCCTTTGACCCAGGAAGTGCTTCAGGAACATCTGGAAGTAGTTCCCAGAAC[A>G]TGGGAGACACCCTGGATGAAAGCTCATTGACAGCCAGTCCACAGAAGAAAAGGAGATTTG-3'
Protein context (NP_054859.2, residues 912-932): SGTSGSSSQN[Met922Val]GDTLDESSLT

ClinVar aggregate classification (germline): Uncertain significance (1 of 4 stars; one submission).

Conditions:
Schimke immuno-osseous dysplasia (SIOD). Also called: Schimke Immunoosseous Dysplasia. Identifiers: Orphanet 1830, MedGen C0877024, MONDO:0009458, OMIM 242900.

Allele frequency attached by ClinVar (database versions not stated): gnomAD exomes below 0.00001 and 0.00001; TOPMed below 0.00001; ExAC 0.00001.

Submission:

Labcorp Genetics (formerly Invitae), Labcorp
Classification: Uncertain significance for Schimke immuno-osseous dysplasia. Last evaluated: 2022-05-25. Review status: criteria provided, single submitter. Criteria: Invitae Variant Classification Sherloc (09022015). Collection method: clinical testing. Allele origin: germline.
Comment: This variant is present in population databases (rs767258073, gnomAD 0.006%). This sequence change replaces methionine, which is neutral and non-polar, with valine, which is neutral and non-polar, at codon 922 of the SMARCAL1 protein (p.Met922Val). Algorithms developed to predict the effect of missense changes on protein structure and function output the following: SIFT: "Deleterious"; PolyPhen-2: "Benign"; Align-GVGD: "Class C0". The valine amino acid residue is found in multiple mammalian species, which suggests that this missense change does not adversely affect protein function. ClinVar contains an entry for this variant (Variation ID: 1021384). This variant has not been reported in the literature in individuals affected with SMARCAL1-related conditions. In summary, the available evidence is currently insufficient to determine the role of this variant in disease. Therefore, it has been classified as a Variant of Uncertain Significance.